The following is an entry in ClinVar:

NM_007294.4(BRCA1):c.2663A>G (p.His888Arg)

Gene: BRCA1 (BRCA1 DNA repair associated; minus strand). Cytogenetic location: 17q21.31.
Variant type: single nucleotide variant.
Coding change: c.2663A>G on transcript NM_007294.4 (MANE Select); coding-DNA position 2663, A replaced by G.
Protein change: p.His888Arg; replaces histidine 888 with arginine.
Molecular consequence: missense variant. On other transcripts: intron variant (137).
Genome position (GRCh38, 1-based): chr17:43,092,868, T>C on the plus strand (A>G on the coding strand, the complement: BRCA1 is on the minus strand). VCF-style: chr17-43092868-T-C. GRCh37 (hg19) VCF-style: chr17-41244885-T-C.
Other names: c.2450A>G, p.His817Arg (NM_001407571.1, NM_001407853.1, NM_001407894.1 and 9 more transcripts); c.2663A>G, p.His888Arg (NM_001407581.1, NM_001407582.1, NM_001407583.1 and 30 more transcripts); c.2660A>G, p.His887Arg (NM_001407587.1, NM_001407590.1, NM_001407591.1 and 22 more transcripts); c.2654A>G, p.His885Arg (NM_001407646.1, NM_001407647.1); c.2540A>G, p.His847Arg (NM_001407648.1, NM_001407664.1, NM_001407665.1 and 19 more transcripts); c.2537A>G, p.His846Arg (NM_001407649.1, NM_001407670.1, NM_001407671.1 and 11 more transcripts); c.2585A>G, p.His862Arg (NM_001407653.1, NM_001407654.1, NM_001407655.1 and 4 more transcripts); c.2582A>G, p.His861Arg (NM_001407659.1, NM_001407660.1, NM_001407661.1 and 1 more transcripts); and 41 more; short protein forms H888R, H841R, H840R, H846R, H862R, H761R, H776R, H799R.
Identifiers: ClinVar variation 491050 (VCV000491050.24), dbSNP rs876658843, ClinGen allele CA10596670.

ClinVar aggregate classification (germline): Conflicting classifications of pathogenicity. Review status: criteria provided, conflicting classifications (1 of 4 stars). 3 submissions from 3 submitters: Uncertain significance (2); Likely benign (1). Last evaluated 2023-03-23.

Conditions:
Hereditary cancer-predisposing syndrome. Also called: Hereditary Cancer Syndrome; Neoplastic Syndromes, Hereditary; Tumor predisposition; Hereditary neoplastic syndrome. Identifiers: Orphanet 140162, MedGen C0027672, MeSH D009386, MONDO:0015356.
Hereditary breast ovarian cancer syndrome. Also called: Breast and ovarian cancer; Hereditary breast and/or ovarian cancer syndrome; Hereditary breast and ovarian cancer; Hereditary breast and ovarian cancer syndrome (HBOC); BRCA1- and BRCA2-Associated Hereditary Breast and Ovarian Cancer; Hereditary breast and ovarian cancer syndrome. Identifiers: Orphanet 145, MedGen C0677776, MeSH D061325, MONDO:0003582. Disease mechanism: loss of function.

Submissions (3):

University of Washington Department of Laboratory Medicine, University of Washington
Classification: Likely benign for Hereditary cancer-predisposing syndrome. Last evaluated: 2023-03-23. Review status: criteria provided, single submitter. Criteria: Dines et al. (Genet Med. 2020). Collection method: curation. Allele origin: germline.
Comment: Missense variant in a coldspot region where missense variants are very unlikely to be pathogenic (PMID:31911673).

BRCA1 coldspot (exon 11 using historical exon numbering). Reclassification based on statistical prior probability

Labcorp Genetics (formerly Invitae), Labcorp
Classification: Uncertain significance for Hereditary breast ovarian cancer syndrome. Last evaluated: 2020-01-30. Review status: criteria provided, single submitter. Criteria: Invitae Variant Classification Sherloc (09022015). Collection method: clinical testing. Allele origin: germline.
Comment: This variant has not been reported in the literature in individuals with BRCA1-related conditions. ClinVar contains an entry for this variant (Variation ID: 491050). In summary, the available evidence is currently insufficient to determine the role of this variant in disease. Therefore, it has been classified as a Variant of Uncertain Significance. Algorithms developed to predict the effect of missense changes on protein structure and function output the following: SIFT: "Tolerated"; PolyPhen-2: "Benign"; Align-GVGD: "Class C0". The arginine amino acid residue is found in multiple mammalian species, suggesting that this missense change does not adversely affect protein function. These predictions have not been confirmed by published functional studies and their clinical significance is uncertain. This variant is not present in population databases (ExAC no frequency). This sequence change replaces histidine with arginine at codon 888 of the BRCA1 protein (p.His888Arg). The histidine residue is moderately conserved and there is a small physicochemical difference between histidine and arginine.

Color Diagnostics, LLC DBA Color Health
Classification: Uncertain significance for Hereditary cancer-predisposing syndrome. Last evaluated: 2019-04-04. Review status: criteria provided, single submitter. Criteria: ACMG Guidelines, 2015. Collection method: clinical testing. Allele origin: germline.